The following is an entry in ClinVar:

ClinVar aggregate classification (germline): Benign/Likely benign. Review status: criteria provided, multiple submitters, no conflicts (2 of 4 stars). 3 submissions from 3 submitters: Benign (2); Likely benign (1). Last evaluated 2025-12-21.

Conditions:
Familial thoracic aortic aneurysm and aortic dissection (TAAD). Also called: Thoracic aortic aneurysms and dissections. Identifiers: Orphanet 91387, MedGen C4707243, MONDO:0019625.
Marfan syndrome (MFS). Also called: Marfan syndrome, classic; Marfan syndrome type 1; Marfan's syndrome; FBN1-Related Marfan Syndrome; MARFAN SYNDROME, TYPE I. Identifiers: Orphanet 284963, Orphanet 558, MedGen C0024796, MONDO:0007947, OMIM 154700.

Submissions (3):

Labcorp Genetics (formerly Invitae), Labcorp
Classification: Benign for Marfan syndrome; Familial thoracic aortic aneurysm and aortic dissection. Last evaluated: 2025-12-21. Review status: criteria provided, single submitter. Criteria: Invitae Variant Classification Sherloc (09022015). Collection method: clinical testing. Allele origin: germline.

Women's Health and Genetics/Laboratory Corporation of America, LabCorp
Classification: Benign. Last evaluated: 2024-12-19. Review status: criteria provided, single submitter. Criteria: LabCorp Variant Classification Summary - May 2015. Collection method: clinical testing. Allele origin: germline.
Comment: Variant summary: FBN1 c.5066-14delT alters a non-conserved nucleotide located at a position not widely known to affect splicing. Consensus agreement among computation tools predict no significant impact on normal splicing. However, these predictions have yet to be confirmed by functional studies. The variant allele was found at a frequency of 8.7e-06 in 1609602 control chromosomes (14 alleles, gnomAD v.4.1). To our knowledge, no occurrence of c.5066-14delT in individuals affected with Marfan Syndrome and no experimental evidence demonstrating its impact on protein function have been reported. ClinVar contains an entry for this variant (Variation ID: 928290). Based on the evidence outlined above, the variant was classified as benign.

Color Diagnostics, LLC DBA Color Health
Classification: Likely benign for Familial thoracic aortic aneurysm and aortic dissection. Last evaluated: 2020-01-14. Review status: criteria provided, single submitter. Criteria: ACMG Guidelines, 2015. Collection method: clinical testing. Allele origin: germline.

NM_000138.5(FBN1):c.5066-14del

Gene: FBN1 (fibrillin 1; minus strand). Cytogenetic location: 15q21.1.
Variant type: Deletion.
Coding change: c.5066-14del on transcript NM_000138.5 (MANE Select); 14 bases into the intron before coding-DNA position 5066, one base deleted (T; older notation c.5066-14delT).
Molecular consequence: intron variant.
Genome position (GRCh38, 1-based): chr15:48,463,254, A deleted on the plus strand (T on the coding strand, the reverse complement: FBN1 is on the minus strand); the first of 8 consecutive A bases (chr15:48,463,254-48,463,261); deleting any one gives the same sequence. VCF-style (leftmost placement, unchanged base first): chr15-48463253-TA-T. GRCh37 (hg19) VCF-style: chr15-48755450-TA-T.
Other names: c.5066-14delT (NM_000138.5).
Identifiers: ClinVar variation 928290 (VCV000928290.7), dbSNP rs3833018, ClinGen allele CA054237.